The following is an entry in ClinVar:

NM_000441.2(SLC26A4):c.*1302T>G

Gene: SLC26A4 (solute carrier family 26 member 4; plus strand). Cytogenetic location: 7q22.3.
Variant type: single nucleotide variant.
Coding change: c.*1302T>G on transcript NM_000441.2 (MANE Select); 1302 bases downstream of the stop codon, T replaced by G.
Molecular consequence: 3 prime UTR variant.
Genome position (GRCh38, 1-based): chr7:107,716,748, T>G. VCF-style: chr7-107716748-T-G. GRCh37 (hg19) VCF-style: chr7-107357193-T-G.
Identifiers: ClinVar variation 912131 (VCV000912131.4), dbSNP rs112019874, ClinGen allele CA164232924.

ClinVar aggregate classification (germline): Benign/Likely benign. Review status: criteria provided, single submitter (1 of 4 stars). 2 submissions from 1 submitter: Benign (1); Likely benign (1). Last evaluated 2017-04-27.

Conditions:
Autosomal recessive nonsyndromic hearing loss 4 (DFNB4). Also called: Deafness, autosomal recessive 4, with enlarged vestibular aqueduct; FOXI1-Related Pendred Syndrome; KCNJ10-Related Pendred Syndrome; DEAFNESS, AUTOSOMAL RECESSIVE 4, WITH ENLARGED VESTIBULAR AQUEDUCT, DIGENIC; NEUROSENSORY NONSYNDROMIC RECESSIVE DEAFNESS 4; Deafness, autosomal recessive 4. Identifiers: Orphanet 90636, MedGen C3538946, MONDO:0010933, OMIM 600791.
Pendred syndrome (PDS). Also called: DEAFNESS WITH GOITER; GOITER-DEAFNESS SYNDROME; HYPOTHYROIDISM, CONGENITAL, DUE TO DYSHORMONOGENESIS, 2B; THYROID DYSHORMONOGENESIS 2B; THYROID HORMONOGENESIS, GENETIC DEFECT IN, 2B; Pendred's syndrome. Identifiers: Orphanet 705, MedGen C0271829, MONDO:0010134, OMIM 274600.

Allele frequency attached by ClinVar (database versions not stated): 1000 Genomes Project 0.01358; gnomAD 0.01395 and 0.01487; 1000 Genomes Project 30x 0.01515; TOPMed 0.01597.

Submissions (2):

Illumina Laboratory Services, Illumina
Classification: Likely benign for Autosomal recessive nonsyndromic hearing loss 4. Last evaluated: 2017-04-27. Review status: criteria provided, single submitter. Criteria: ICSL Variant Classification Criteria 13 December 2019. Collection method: clinical testing. Allele origin: germline.
Comment: This variant was observed as part of a predisposition screen in an ostensibly healthy population. A literature search was performed for the gene, cDNA change, and amino acid change (where applicable). No publications were found based on this search. Allele frequency data from public databases allowed determination this variant is unlikely to cause disease. Therefore, this variant is classified as likely benign.

Illumina Laboratory Services, Illumina
Classification: Benign for Pendred syndrome. Last evaluated: 2017-04-27. Review status: criteria provided, single submitter. Criteria: ICSL Variant Classification Criteria 13 December 2019. Collection method: clinical testing. Allele origin: germline.
Comment: This variant was observed as part of a predisposition screen in an ostensibly healthy population. A literature search was performed for the gene, cDNA change, and amino acid change (where applicable). No publications were found based on this search. Allele frequency data from public databases was too high to be consistent with this variant causing disease. Therefore, this variant is classified as benign.